The following is an entry in ClinVar:

NM_007118.4(TRIO):c.7532G>A (p.Arg2511Gln)

Gene: TRIO (trio Rho guanine nucleotide exchange factor; plus strand). Cytogenetic location: 5p15.2.
Variant type: single nucleotide variant.
Coding change: c.7532G>A on transcript NM_007118.4 (MANE Select); coding-DNA position 7532, G replaced by A.
Protein change: p.Arg2511Gln; replaces arginine 2511 with glutamine.
Molecular consequence: missense variant.
Genome position (GRCh38, 1-based): chr5:14,488,160, G>A. VCF-style: chr5-14488160-G-A. GRCh37 (hg19) VCF-style: chr5-14488269-G-A.
Other names: short protein forms R2511Q.
Identifiers: ClinVar variation 3902119 (VCV003902119.1).

ClinVar aggregate classification (germline): Uncertain significance (1 of 4 stars; one submission).

gnomAD v4.1: 3 of 1,605,516 alleles (0.00019%); highest among the groups gnomAD compares: South Asian, 0.0011%; no homozygotes.

Submission:

Women's Health and Genetics/Laboratory Corporation of America, LabCorp
Classification: Uncertain significance. Last evaluated: 2025-05-20. Review status: criteria provided, single submitter. Criteria: LabCorp Variant Classification Summary - May 2015. Collection method: clinical testing. Allele origin: germline.
Comment: Variant summary: TRIO c.7532G>A (p.Arg2511Gln) results in a conservative amino acid change in the encoded protein sequence. Algorithms developed to predict the effect of missense changes on protein structure and function are either unavailable or do not agree on the potential impact of this missense change. The variant allele was found at a frequency of 4.5e-06 in 224006 control chromosomes. The available data on variant occurrences in the general population are insufficient to allow any conclusion about variant significance. To our knowledge, no occurrence of c.7532G>A in individuals affected with TRIO-Related Intellectual Disability and no experimental evidence demonstrating its impact on protein function have been reported. No submitters have cited clinical-significance assessments for this variant to ClinVar. Based on the evidence outlined above, the variant was classified as uncertain significance.